The following is an entry in ClinVar:

ClinVar aggregate classification (germline): Uncertain significance (1 of 4 stars; one submission).

Submission:

Athena Diagnostics
Classification: Uncertain significance. Last evaluated: 2024-05-08. Review status: criteria provided, single submitter. Criteria: Athena Diagnostics Criteria. Collection method: clinical testing. Allele origin: unknown.
Comment: Available data are insufficient to determine the clinical significance of the variant at this time. This variant has not been reported in large, multi-ethnic general populations. Polyphen and MutationTaster predict this amino acid change may be damaging to the protein.

NM_014159.7(SETD2):c.4442A>C (p.Tyr1481Ser)

Gene: SETD2 (SET domain containing 2, histone lysine methyltransferase; minus strand). Cytogenetic location: 3p21.31.
Variant type: single nucleotide variant.
Coding change: c.4442A>C on transcript NM_014159.7 (MANE Select); coding-DNA position 4442, A replaced by C.
Protein change: p.Tyr1481Ser; replaces tyrosine 1481 with serine.
Molecular consequence: missense variant. On other transcripts: non-coding transcript variant (1).
Genome position (GRCh38, 1-based): chr3:47,120,194, T>G on the plus strand (A>C on the coding strand, the complement: SETD2 is on the minus strand). VCF-style: chr3-47120194-T-G. GRCh37 (hg19) VCF-style: chr3-47161684-T-G.
Other names: c.4310A>C, p.Tyr1437Ser (NM_001349370.3); short protein forms Y1481S, Y1437S.
Identifiers: ClinVar variation 3571693 (VCV003571693.1).